The following is an entry in ClinVar:

NM_001009944.3(PKD1):c.1202-1G>A

Gene: PKD1 (polycystin 1, transient receptor potential channel interacting; minus strand). Cytogenetic location: 16p13.3.
Variant type: single nucleotide variant.
Coding change: c.1202-1G>A on transcript NM_001009944.3 (MANE Select); the canonical splice acceptor site of the intron before coding-DNA position 1202, G replaced by A.
Molecular consequence: splice acceptor variant.
Genome position (GRCh38, 1-based): chr16:2,117,673, C>T on the plus strand (G>A on the coding strand, the complement: PKD1 is on the minus strand). VCF-style: chr16-2117673-C-T. GRCh37 (hg19) VCF-style: chr16-2167674-C-T.
Other names: c.1202-1G>A (NM_000296.4).
Identifiers: ClinVar variation 1179200 (VCV001179200.3), dbSNP rs2151822688, ClinGen allele CA394392913.
Genomic context (GRCh38, chr16:2,117,673, plus strand): 5'-GGTAGCAGTGCCCGTTGCCAGGGAAGATCTCCGTGTCCGAGGGGCAGAGCGGGTGCACCG[C>T]TGGAGACCGGTGGGAACGAGGGTGTCAACGGTCAGTGTGGGCCCAAGACGGGGGTACCAG-3'

ClinVar aggregate classification (germline): Pathogenic/Likely pathogenic. Review status: criteria provided, multiple submitters, no conflicts (2 of 4 stars). 2 submissions from 2 submitters: Pathogenic (1); Likely pathogenic (1). Last evaluated 2024-02-15.

Conditions:
Polycystic kidney disease, adult type (PKD1). Also called: POLYCYSTIC KIDNEY DISEASE 1 WITH OR WITHOUT POLYCYSTIC LIVER DISEASE; POLYCYSTIC KIDNEY DISEASE, ADULT, TYPE I; Polycystic Kidney Disease 1, Autosomal Dominant; Polycystic kidney disease 1; Polycystic kidney disease 1, severe; Polycystic Kidney, Autosomal Dominant. Identifiers: MedGen C3149841, MONDO:0008263, OMIM 173900.

Submissions (2):

Department of Pathology and Laboratory Medicine, Sinai Health System
Classification: Likely pathogenic for Polycystic kidney disease, adult type. Last evaluated: 2024-02-15. Review status: criteria provided, single submitter. Criteria: ACMG Guidelines, 2015. Collection method: clinical testing. Allele origin: germline. Affected: yes.

Fulgent Genetics
Classification: Pathogenic for Polycystic kidney disease, adult type. Last evaluated: 2021-06-30. Review status: criteria provided, single submitter. Criteria: ACMG Guidelines, 2015. Collection method: clinical testing. Allele origin: unknown.
Comment: This variant has been detected in individual(s) who were sent for testing of Renasight - kidney gene panel.